The following is an entry in ClinVar:

NM_000719.7(CACNA1C):c.4837G>T (p.Val1613Phe)

Genes: CACNA1C (calcium voltage-gated channel subunit alpha1 C; plus strand), CACNA1C-AS1 (CACNA1C antisense RNA 1; minus strand). Cytogenetic location: 12p13.33.
Variant type: single nucleotide variant.
Coding change: c.4837G>T on transcript NM_000719.7 (MANE Select); coding-DNA position 4837, G replaced by T.
Protein change: p.Val1613Phe; replaces valine 1613 with phenylalanine.
Molecular consequence: missense variant. On other transcripts: non-coding transcript variant (1).
Genome position (GRCh38, 1-based): chr12:2,677,102, G>T. VCF-style: chr12-2677102-G-T. GRCh37 (hg19) VCF-style: chr12-2786268-G-T.
Other names: c.4981G>T, p.Val1661Phe (NM_001129827.2, NM_199460.4); c.4960G>T, p.Val1654Phe (NM_001129829.2); c.4837G>T, p.Val1613Phe (NM_001129830.3, NM_001129840.2, NM_001129841.2 and 4 more transcripts); c.4921G>T, p.Val1641Phe (NM_001129831.2); c.4897G>T, p.Val1633Phe (NM_001129832.2); c.4894G>T, p.Val1632Phe (NM_001129833.2, NM_001129834.2, NM_001129835.2); c.4888G>T, p.Val1630Phe (NM_001129836.2); c.4861G>T, p.Val1621Phe (NM_001129837.2, NM_001129838.2); and 3 more; short protein forms V1632F, V1641F, V1602F, V1610F, V1621F, V1630F, V1661F, V1613F.
Identifiers: ClinVar variation 1489354 (VCV001489354.8), dbSNP rs757629968, ClinGen allele CA383377905.

ClinVar aggregate classification (germline): Uncertain significance (1 of 4 stars; one submission).

Conditions:
Long QT syndrome (LQTS). Identifiers: MedGen C0023976, MeSH D008133, MONDO:0002442. Disease mechanism: loss of function. Inheritance: Various modes of inheritance.

Submission:

Labcorp Genetics (formerly Invitae), Labcorp
Classification: Uncertain significance for Long QT syndrome. Last evaluated: 2021-05-06. Review status: criteria provided, single submitter. Criteria: Invitae Variant Classification Sherloc (09022015). Collection method: clinical testing. Allele origin: germline.
Comment: This variant is not present in population databases (ExAC no frequency). In summary, the available evidence is currently insufficient to determine the role of this variant in disease. Therefore, it has been classified as a Variant of Uncertain Significance. Algorithms developed to predict the effect of missense changes on protein structure and function (SIFT, PolyPhen-2, Align-GVGD) all suggest that this variant is likely to be disruptive, but these predictions have not been confirmed by published functional studies and their clinical significance is uncertain. This variant has not been reported in the literature in individuals with CACNA1C-related conditions. This sequence change replaces valine with phenylalanine at codon 1613 of the CACNA1C protein (p.Val1613Phe). The valine residue is highly conserved and there is a small physicochemical difference between valine and phenylalanine.